The following is an entry in ClinVar:

NM_000069.3(CACNA1S):c.340C>A (p.Gln114Lys)

Gene: CACNA1S (calcium voltage-gated channel subunit alpha1 S; minus strand). Cytogenetic location: 1q32.1.
Variant type: single nucleotide variant.
Coding change: c.340C>A on transcript NM_000069.3 (MANE Select); coding-DNA position 340, C replaced by A.
Protein change: p.Gln114Lys; replaces glutamine 114 with lysine.
Molecular consequence: missense variant.
Genome position (GRCh38, 1-based): chr1:201,093,940, G>T on the plus strand (C>A on the coding strand, the complement: CACNA1S is on the minus strand). VCF-style: chr1-201093940-G-T. GRCh37 (hg19) VCF-style: chr1-201063068-G-T.
Other names: short protein forms Q114K.
Identifiers: ClinVar variation 1388387 (VCV001388387.11), dbSNP rs776320792, ClinGen allele CA079659.

ClinVar aggregate classification (germline): Uncertain significance. Review status: criteria provided, multiple submitters, no conflicts (2 of 4 stars). 8 submissions from 5 submitters: Uncertain significance (8). Last evaluated 2025-04-10.

Conditions:
Hypokalemic periodic paralysis, type 1. Also called: HypoPP; Hypokalemic Periodic Paralysis Type 1 (AD). Identifiers: Orphanet 681, MedGen C3714580, MONDO:0042979, OMIM 170400.
Thyrotoxic periodic paralysis, susceptibility to, 1 (TTPP1). Identifiers: Orphanet 79102, MedGen C2749982, MONDO:0008570, OMIM 188580.
Malignant hyperthermia, susceptibility to, 5 (MHS5). Also called: CACNA1S-Related Malignant Hyperthermia Susceptibility. Identifiers: Orphanet 423, MedGen C1866077, MONDO:0011163, OMIM 601887.
Congenital myopathy 18. Also called: Myopathy, congenital, due to dihydropyridine receptor defect; DIHYDROPYRIDINE RECEPTOR CONGENITAL MYOPATHY; DHPR CONGENITAL MYOPATHY. Identifiers: MedGen C5830283, MONDO:0859514, OMIM 620246.

Allele frequency attached by ClinVar (database versions not stated): gnomAD exomes below 0.00001 and 0.00001; gnomAD 0.00001; ExAC 0.00001.
gnomAD v4.1: 7 of 1,614,094 alleles (0.00043%); highest among the groups gnomAD compares: Admixed American, 0.0017%; no homozygotes.

Submissions (8):

Dasa
Classification: Uncertain significance. Last evaluated: 2025-04-10. Review status: criteria provided, single submitter. Criteria: DASA Assertion Criteria. Collection method: clinical testing. Allele origin: germline.
Comment: NM_000069.3(CACNA1S):c.340C>A (p.Gln114Lys) is a missense variant that results in the substitution of glutamine with lysine. This variant is rare in population databases. Computational prediction algorithms are consistent with a benign effect. The currently available literature and clinical evidence are not sufficient to establish a definitive association between this variant and the reported condition. Therefore, this variant is classified as a variant of uncertain significance.

All of Us Research Program, National Institutes of Health
Classification: Uncertain significance for Malignant hyperthermia, susceptibility to, 5. Last evaluated: 2023-10-06. Review status: criteria provided, single submitter. Criteria: ACMG Guidelines, 2015. Collection method: clinical testing. Allele origin: germline. Inheritance: Autosomal dominant inheritance. Observed: 1 variant allele, 1 heterozygote.
Comment: This missense variant replaces glutamine with lysine at codon 114 of the CACNA1S protein. Computational prediction suggests that this variant may not impact protein structure and function (internally defined REVEL score threshold <= 0.5, PMID: 27666373). To our knowledge, functional studies have not been reported for this variant. This variant has not been reported in individuals affected with CACNA1S-related disorders in the literature. This variant has been identified in 2/251484 chromosomes in the general population by the Genome Aggregation Database (gnomAD). The available evidence is insufficient to determine the role of this variant in disease conclusively. Therefore, this variant is classified as a Variant of Uncertain Significance.

This study involves interpretation of variants in research participants for the purpose of population health screening. Participant phenotype was not available at the time of variant classification. Additional details can be found in publication PMID: 35346344, PMCID: PMC8962531

Genome-Nilou Lab
Classification: Uncertain significance for Malignant hyperthermia, susceptibility to, 5. Last evaluated: 2023-04-11. Review status: criteria provided, single submitter. Criteria: ACMG Guidelines, 2015. Collection method: clinical testing. Allele origin: germline. Affected: no.

Genome-Nilou Lab
Classification: Uncertain significance for Thyrotoxic periodic paralysis, susceptibility to, 1. Last evaluated: 2023-04-11. Review status: criteria provided, single submitter. Criteria: ACMG Guidelines, 2015. Collection method: clinical testing. Allele origin: germline. Affected: no.

Genome-Nilou Lab
Classification: Uncertain significance for Congenital myopathy 18. Last evaluated: 2023-04-11. Review status: criteria provided, single submitter. Criteria: ACMG Guidelines, 2015. Collection method: clinical testing. Allele origin: germline. Affected: no.

Genome-Nilou Lab
Classification: Uncertain significance for Hypokalemic periodic paralysis, type 1. Last evaluated: 2023-04-11. Review status: criteria provided, single submitter. Criteria: ACMG Guidelines, 2015. Collection method: clinical testing. Allele origin: germline. Affected: no.

Labcorp Genetics (formerly Invitae), Labcorp
Classification: Uncertain significance for Hypokalemic periodic paralysis, type 1; Malignant hyperthermia, susceptibility to, 5. Last evaluated: 2023-03-10. Review status: criteria provided, single submitter. Criteria: Invitae Variant Classification Sherloc (09022015). Collection method: clinical testing. Allele origin: germline.
Comment: This sequence change replaces glutamine, which is neutral and polar, with lysine, which is basic and polar, at codon 114 of the CACNA1S protein (p.Gln114Lys). This variant is present in population databases (rs776320792, gnomAD 0.0009%). This variant has not been reported in the literature in individuals affected with CACNA1S-related conditions. ClinVar contains an entry for this variant (Variation ID: 1388387). Advanced modeling of protein sequence and biophysical properties (such as structural, functional, and spatial information, amino acid conservation, physicochemical variation, residue mobility, and thermodynamic stability) performed at Invitae indicates that this missense variant is not expected to disrupt CACNA1S protein function. In summary, the available evidence is currently insufficient to determine the role of this variant in disease. Therefore, it has been classified as a Variant of Uncertain Significance.

Fulgent Genetics
Classification: Uncertain significance for Hypokalemic periodic paralysis, type 1; Thyrotoxic periodic paralysis, susceptibility to, 1; Malignant hyperthermia, susceptibility to, 5. Last evaluated: 2021-08-18. Review status: criteria provided, single submitter. Criteria: ACMG Guidelines, 2015. Collection method: clinical testing. Allele origin: unknown.